The following is an entry in ClinVar:

NM_000059.4(BRCA2):c.3462del (p.Thr1155fs)

Gene: BRCA2 (BRCA2 DNA repair associated; plus strand). Cytogenetic location: 13q13.1.
Variant type: Deletion.
Coding change: c.3462del on transcript NM_000059.4 (MANE Select); coding-DNA position 3462, one base deleted (C; older notation c.3462delC).
Protein change: p.Thr1155fs; shifts the reading frame from threonine 1155.
Molecular consequence: frameshift variant.
Genome position (GRCh38, 1-based): chr13:32,337,817, C deleted; the last of 2 consecutive C bases (chr13:32,337,816-32,337,817); deleting either gives the same sequence. VCF-style (leftmost placement, unchanged base first): chr13-32337815-AC-A. GRCh37 (hg19) VCF-style: chr13-32911952-AC-A.
Other names: c.3462delC (NM_000059.3); short protein forms T1155fs.
Identifiers: ClinVar variation 462293 (VCV000462293.13), dbSNP rs1555283256, ClinGen allele CA658656411.

ClinVar aggregate classification (germline): Pathogenic. Review status: criteria provided, multiple submitters, no conflicts (2 of 4 stars). 3 submissions from 3 submitters: Pathogenic (3). Last evaluated 2022-10-31.

Conditions:
Hereditary cancer-predisposing syndrome. Also called: Neoplastic Syndromes, Hereditary; Hereditary Cancer Syndrome; Hereditary neoplastic syndrome; Tumor predisposition. Identifiers: Orphanet 140162, MedGen C0027672, MeSH D009386, MONDO:0015356.
Hereditary breast ovarian cancer syndrome. Also called: Hereditary breast and ovarian cancer syndrome (HBOC); Hereditary breast and ovarian cancer syndrome; Breast and ovarian cancer; Hereditary breast and/or ovarian cancer syndrome; Hereditary breast and ovarian cancer; BRCA1- and BRCA2-Associated Hereditary Breast and Ovarian Cancer. Identifiers: Orphanet 145, MedGen C0677776, MeSH D061325, MONDO:0003582. Disease mechanism: loss of function.
Familial cancer of breast. Also called: BREAST CANCER, FAMILIAL; Hereditary breast cancer; hereditary breast carcinoma. Identifiers: Orphanet 227535, MedGen C0346153, MONDO:0016419, OMIM 114480. Disease mechanism: loss of function.

Submissions (3):

Color Diagnostics, LLC DBA Color Health
Classification: Pathogenic for Hereditary cancer-predisposing syndrome. Last evaluated: 2022-10-31. Review status: criteria provided, single submitter. Criteria: ACMG Guidelines, 2015. Collection method: clinical testing. Allele origin: germline.
Comment: This variant deletes 1 nucleotide in exon 11 of the BRCA2 gene, creating a frameshift and premature translation stop signal. This variant is expected to result in an absent or non-functional protein product. To our knowledge, this variant has not been reported in individuals affected with hereditary cancer in the literature. This variant has not been identified in the general population by the Genome Aggregation Database (gnomAD). Loss of BRCA2 function is a known mechanism of disease. Based on the available evidence, this variant is classified as Pathogenic.

GeneKor MSA
Classification: Pathogenic for Hereditary Breast Carcinoma. Last evaluated: 2020-01-01. Review status: criteria provided, single submitter. Criteria: ACMG Guidelines, 2015. Collection method: clinical testing. Allele origin: germline. Affected: yes.
Comment: This sequence change deletes one nucleotide in exon 11 of BRCA2 mRNA (c.3462delC), causing a frameshift at codon 1155 and the creation of a premature translation stop signal 13 amino acid residues later. This is expected to result in an absent or disrupted protein product. Truncating variants in BRCA2 are known to be pathogenic.The mutation database Clinvar contains entries for this variant (Variation ID: 462293).

Labcorp Genetics (formerly Invitae), Labcorp
Classification: Pathogenic for Hereditary breast ovarian cancer syndrome. Last evaluated: 2017-01-11. Review status: criteria provided, single submitter. Criteria: Invitae Variant Classification Sherloc (09022015). Collection method: clinical testing. Allele origin: germline.
Comment: For these reasons, this variant has been classified as Pathogenic. While this particular variant has not been reported in the literature, loss-of-function variants in BRCA2 are known to be pathogenic (PMID: 20104584). This sequence change deletes 1 nucleotide from exon 11 of the BRCA2 mRNA (c.3462delC), causing a frameshift at codon 1155. This creates a premature translational stop signal (p.Thr1155Leufs*13) and is expected to result in an absent or disrupted protein product.

Literature cited by the submitters: PubMed 20104584 (cited by Labcorp Genetics (formerly Invitae), Labcorp).